The following is an entry in ClinVar:

NM_001388419.1(KALRN):c.4935+21982A>C

Gene: KALRN (kalirin RhoGEF kinase; plus strand). Cytogenetic location: 3q21.2.
Variant type: single nucleotide variant.
Coding change: c.4935+21982A>C on transcript NM_001388419.1 (MANE Select); 21982 bases into the intron after coding-DNA position 4935, A replaced by C.
Molecular consequence: intron variant.
Genome position (GRCh38, 1-based): chr3:124,518,395, A>C. VCF-style: chr3-124518395-A-C. GRCh37 (hg19) VCF-style: chr3-124237242-A-C.
Other names: c.4936-5A>C (NM_001388417.1); c.4909-5A>C (NM_001388418.1); c.4929+21982A>C (NM_001024660.5, NM_001322988.2); c.4930-5A>C (NM_003947.6); c.4780-5A>C (NM_001322992.2); c.4903-5A>C (NM_001322989.2); c.4891-5A>C (NM_001322990.2); c.4864-5A>C (NM_001322991.2); and 5 more.
Identifiers: ClinVar variation 3349385 (VCV003349385.1).

ClinVar aggregate classification (germline): Likely benign (0 of 4 stars; one submission).

Conditions:
KALRN-related disorder. Also called: KALRN-related condition.

Submission:

PreventionGenetics, part of Exact Sciences
Classification: Likely benign for KALRN-related condition. Last evaluated: 2024-09-25. Review status: no assertion criteria provided. Collection method: clinical testing. Allele origin: germline.
Comment: This variant is classified as likely benign based on ACMG/AMP sequence variant interpretation guidelines (Richards et al. 2015 PMID: 25741868, with internal and published modifications).